The following is an entry in ClinVar:

NM_000090.4(COL3A1):c.2022+17T>C

Gene: COL3A1 (collagen type III alpha 1 chain; plus strand). Cytogenetic location: 2q32.2.
Variant type: single nucleotide variant.
Coding change: c.2022+17T>C on transcript NM_000090.4 (MANE Select); 17 bases into the intron after coding-DNA position 2022, T replaced by C.
Molecular consequence: intron variant.
Genome position (GRCh38, 1-based): chr2:188,998,735, T>C. VCF-style: chr2-188998735-T-C. GRCh37 (hg19) VCF-style: chr2-189863461-T-C.
Identifiers: ClinVar variation 1705052 (VCV001705052.6), dbSNP rs775286439, ClinGen allele CA074922.

ClinVar aggregate classification (germline): Benign. Review status: criteria provided, multiple submitters, no conflicts (2 of 4 stars). 2 submissions from 2 submitters: Benign (2). Last evaluated 2025-10-17.

Conditions:
Ehlers-Danlos syndrome, type 4 (EDSVASC). Also called: Ehlers-Danlos syndrome vascular type; Ehlers Danlos syndrome, ecchymotic type; Ehlers Danlos syndrome, arterial type; Ehlers Danlos syndrome, Sack-Barabas type; Ehlers-Danlos Syndrome Type IV. Identifiers: Orphanet 286, MedGen C0268338, MONDO:0017314, OMIM 130050.

Allele frequency attached by ClinVar (database versions not stated): TOPMed below 0.00001; gnomAD 0.00003; gnomAD exomes 0.00005; ExAC 0.00012.
gnomAD v4.1: 78 of 1,611,506 alleles (0.0048%); highest among the groups gnomAD compares: South Asian, 0.078%; 1 homozygote.

Submissions (2):

Labcorp Genetics (formerly Invitae), Labcorp
Classification: Benign for Ehlers-Danlos syndrome, type 4. Last evaluated: 2025-10-17. Review status: criteria provided, single submitter. Criteria: Invitae Variant Classification Sherloc (09022015). Collection method: clinical testing. Allele origin: germline.

Women's Health and Genetics/Laboratory Corporation of America, LabCorp
Classification: Benign. Last evaluated: 2022-08-08. Review status: criteria provided, single submitter. Criteria: LabCorp Variant Classification Summary - May 2015. Collection method: clinical testing. Allele origin: germline.
Comment: Variant summary: COL3A1 c.2022+17T>C alters a non-conserved nucleotide located close to a canonical splice site and therefore could affect mRNA splicing, leading to a significantly altered protein sequence. 4/4 computational tools predict no significant impact on normal splicing. However, these predictions have yet to be confirmed by functional studies. The variant allele was found at a frequency of 0.0001 in 250690 control chromosomes in the gnomAD database, including 1 homozygotes. The observed variant frequency is approximately 67 fold of the estimated maximal expected allele frequency for a pathogenic variant in COL3A1 causing Ehlers-Danlos Syndrome, Vascular Type phenotype (1.5e-06), strongly suggesting that the variant is benign. To our knowledge, no occurrence of c.2022+17T>C in individuals affected with Ehlers-Danlos Syndrome, Vascular Type and no experimental evidence demonstrating its impact on protein function have been reported. No clinical diagnostic laboratories have submitted clinical-significance assessments for this variant to ClinVar after 2014. Based on the evidence outlined above, the variant was classified as benign.